The following is an entry in ClinVar:

NM_001376.5(DYNC1H1):c.2189G>T (p.Gly730Val)

Gene: DYNC1H1 (dynein cytoplasmic 1 heavy chain 1; plus strand). Cytogenetic location: 14q32.31.
Variant type: single nucleotide variant.
Coding change: c.2189G>T on transcript NM_001376.5 (MANE Select); coding-DNA position 2189, G replaced by T.
Protein change: p.Gly730Val; replaces glycine 730 with valine.
Molecular consequence: missense variant.
Genome position (GRCh38, 1-based): chr14:101,986,414, G>T. VCF-style: chr14-101986414-G-T. GRCh37 (hg19) VCF-style: chr14-102452751-G-T.
Other names: short protein forms G730V.
Identifiers: ClinVar variation 3689888 (VCV003689888.2).

ClinVar aggregate classification (germline): Uncertain significance (1 of 4 stars; one submission).

Conditions:
Charcot-Marie-Tooth disease axonal type 2O. Also called: CHARCOT-MARIE-TOOTH NEUROPATHY, AXONAL, TYPE 2O; CHARCOT-MARIE-TOOTH DISEASE, AXONAL, AUTOSOMAL DOMINANT, TYPE 2O; Charcot-Marie-Tooth Neuropathy Type 2O; Charcot-Marie-Tooth disease, axonal, type 20. Identifiers: Orphanet 284232, MedGen C3280220, MONDO:0013644, OMIM 614228.

Submission:

Labcorp Genetics (formerly Invitae), Labcorp
Classification: Uncertain significance for Charcot-Marie-Tooth disease axonal type 2O. Last evaluated: 2025-04-26. Review status: criteria provided, single submitter. Criteria: Invitae Variant Classification Sherloc (09022015). Collection method: clinical testing. Allele origin: germline.
Comment: This sequence change replaces glycine, which is neutral and non-polar, with valine, which is neutral and non-polar, at codon 730 of the DYNC1H1 protein (p.Gly730Val). This variant is not present in population databases (gnomAD no frequency). This variant has not been reported in the literature in individuals affected with DYNC1H1-related conditions. ClinVar contains an entry for this variant (Variation ID: 3689888). Invitae Evidence Modeling of protein sequence and biophysical properties (such as structural, functional, and spatial information, amino acid conservation, physicochemical variation, residue mobility, and thermodynamic stability) indicates that this missense variant is expected to disrupt DYNC1H1 protein function with a positive predictive value of 95%. In summary, the available evidence is currently insufficient to determine the role of this variant in disease. Therefore, it has been classified as a Variant of Uncertain Significance.